The following is an entry in ClinVar:

ClinVar aggregate classification (germline): Uncertain significance (1 of 4 stars; one submission).

Submission:

GeneDx
Classification: Uncertain significance. Last evaluated: 2025-03-06. Review status: criteria provided, single submitter. Criteria: GeneDx Variant Classification Process June 2021. Collection method: clinical testing. Allele origin: germline.
Comment: Not observed at significant frequency in large population cohorts (gnomAD); In silico analysis indicates that this missense variant does not alter protein structure/function; Has not been previously published as pathogenic or benign to our knowledge

NM_013275.6(ANKRD11):c.2552A>G (p.Asp851Gly)

Gene: ANKRD11 (ankyrin repeat domain 11; minus strand). Cytogenetic location: 16q24.3.
Variant type: single nucleotide variant.
Coding change: c.2552A>G on transcript NM_013275.6 (MANE Select); coding-DNA position 2552, A replaced by G.
Protein change: p.Asp851Gly; replaces aspartic acid 851 with glycine.
Molecular consequence: missense variant.
Genome position (GRCh38, 1-based): chr16:89,283,990, T>C on the plus strand (A>G on the coding strand, the complement: ANKRD11 is on the minus strand). VCF-style: chr16-89283990-T-C. GRCh37 (hg19) VCF-style: chr16-89350398-T-C.
Other names: c.2552A>G, p.Asp851Gly (NM_001256182.2, NM_001256183.2); short protein forms D851G.
Identifiers: ClinVar variation 3361338 (VCV003361338.2).